The following is an entry in ClinVar:

NM_015512.5(DNAH1):c.7849G>A (p.Gly2617Ser)

Gene: DNAH1 (dynein axonemal heavy chain 1; plus strand). Cytogenetic location: 3p21.1.
Variant type: single nucleotide variant.
Coding change: c.7849G>A on transcript NM_015512.5 (MANE Select); coding-DNA position 7849, G replaced by A.
Protein change: p.Gly2617Ser; replaces glycine 2617 with serine.
Molecular consequence: missense variant.
Genome position (GRCh38, 1-based): chr3:52,382,363, G>A. VCF-style: chr3-52382363-G-A. GRCh37 (hg19) VCF-style: chr3-52416379-G-A.
Other names: short protein forms G2617S.
Identifiers: ClinVar variation 2634722 (VCV002634722.3), dbSNP rs1179071799, ClinGen allele CA353182543.

ClinVar aggregate classification (germline): Uncertain significance. Review status: criteria provided, multiple submitters, no conflicts (2 of 4 stars). 3 submissions from 3 submitters: Uncertain significance (3). Last evaluated 2025-05-21.

Conditions:
DNAH1-related disorder. Also called: DNAH1-related condition.

Allele frequency attached by ClinVar (database versions not stated): gnomAD 0.00001; TOPMed 0.00002.
gnomAD v4.1: 9 of 1,613,868 alleles (0.00056%); highest among the groups gnomAD compares: Admixed American, 0.012%; no homozygotes.

Submissions (3):

Ambry Genetics
Classification: Uncertain significance. Last evaluated: 2025-05-21. Review status: criteria provided, single submitter. Criteria: Ambry Variant Classification Scheme 2023. Collection method: clinical testing. Allele origin: germline.

PreventionGenetics, part of Exact Sciences
Classification: Uncertain significance for DNAH1-related condition. Last evaluated: 2023-10-02. Review status: criteria provided, single submitter. Criteria: ACMG Guidelines, 2015. Collection method: clinical testing. Allele origin: germline.
Comment: The DNAH1 c.7849G>A variant is predicted to result in the amino acid substitution p.Gly2617Ser. To our knowledge, this variant has not been reported in the literature. This variant is reported in 0.012% of alleles in individuals of Latino descent in gnomAD. At this time, the clinical significance of this variant is uncertain due to the absence of conclusive functional and genetic evidence.

GeneDx
Classification: Uncertain significance. Last evaluated: 2023-06-06. Review status: criteria provided, single submitter. Criteria: GeneDx Variant Classification Process June 2021. Collection method: clinical testing. Allele origin: germline. Affected: yes.
Comment: In silico analysis supports that this missense variant has a deleterious effect on protein structure/function; Has not been previously published as pathogenic or benign to our knowledge